The following is an entry in ClinVar:

NM_000238.4(KCNH2):c.2735G>A (p.Arg912Gln)

Gene: KCNH2 (potassium voltage-gated channel subfamily H member 2; minus strand). Cytogenetic location: 7q36.1.
Variant type: single nucleotide variant.
Coding change: c.2735G>A on transcript NM_000238.4 (MANE Select); coding-DNA position 2735, G replaced by A.
Protein change: p.Arg912Gln; replaces arginine 912 with glutamine.
Molecular consequence: missense variant.
Genome position (GRCh38, 1-based): chr7:150,947,836, C>T on the plus strand (G>A on the coding strand, the complement: KCNH2 is on the minus strand). VCF-style: chr7-150947836-C-T. GRCh37 (hg19) VCF-style: chr7-150644924-C-T.
Other names: c.1715G>A, p.Arg572Gln (NM_172057.3); short protein forms R572Q, R912Q.
Identifiers: ClinVar variation 527012 (VCV000527012.22), dbSNP rs958442820, ClinGen allele CA169072692.

ClinVar aggregate classification (germline): Conflicting classifications of pathogenicity. Review status: criteria provided, conflicting classifications (1 of 4 stars). 4 submissions from 4 submitters: Uncertain significance (3); Likely benign (1). Last evaluated 2024-10-22.

Conditions:
Long QT syndrome (LQTS). Identifiers: MedGen C0023976, MeSH D008133, MONDO:0002442. Disease mechanism: loss of function. Inheritance: Various modes of inheritance.
Cardiac arrhythmia. Also called: Cardiac rhythm disease; Arrhythmia. Identifiers: MedGen C0003811, MONDO:0007263, HP:0011675.
Cardiovascular phenotype. Identifiers: MedGen CN230736.

Allele frequency attached by ClinVar (database versions not stated): gnomAD exomes 0.00002 and 0.00006; gnomAD 0.00002 and 0.00003; TOPMed 0.00002.
gnomAD v4.1: 29 of 1,525,164 alleles (0.0019%); highest among the groups gnomAD compares: Admixed American, 0.01%; no homozygotes.

Submissions (4):

Labcorp Genetics (formerly Invitae), Labcorp
Classification: Uncertain significance for Long QT syndrome. Last evaluated: 2024-10-22. Review status: criteria provided, single submitter. Criteria: Invitae Variant Classification Sherloc (09022015). Collection method: clinical testing. Allele origin: germline.
Comment: This sequence change replaces arginine, which is basic and polar, with glutamine, which is neutral and polar, at codon 912 of the KCNH2 protein (p.Arg912Gln). The frequency data for this variant in the population databases is considered unreliable, as metrics indicate poor data quality at this position in the gnomAD database. This variant has not been reported in the literature in individuals affected with KCNH2-related conditions. ClinVar contains an entry for this variant (Variation ID: 527012). An algorithm developed to predict the effect of missense changes on protein structure and function outputs the following: PolyPhen-2: "Benign". The glutamine amino acid residue is found in multiple mammalian species, which suggests that this missense change does not adversely affect protein function. In summary, the available evidence is currently insufficient to determine the role of this variant in disease. Therefore, it has been classified as a Variant of Uncertain Significance.

All of Us Research Program, National Institutes of Health
Classification: Uncertain significance for Long QT syndrome. Last evaluated: 2024-09-23. Review status: criteria provided, single submitter. Criteria: ACMG Guidelines, 2015. Collection method: clinical testing. Allele origin: germline. Inheritance: Autosomal dominant inheritance. Observed: 7 variant alleles, 7 heterozygotes.
Comment: This missense variant replaces arginine with glutamine at codon 912 of the KCNH2 protein. Computational prediction is inconclusive regarding the impact of this variant on protein structure and function (internally defined REVEL score threshold 0.5 < inconclusive < 0.7, PMID: 27666373). To our knowledge, functional studies have not been reported for this variant. This variant has not been reported in individuals affected with cardiovascular disorders in the literature. This variant has been identified in 8/152000 chromosomes in the general population by the Genome Aggregation Database (gnomAD). The available evidence is insufficient to determine the role of this variant in disease conclusively. Therefore, this variant is classified as a Variant of Uncertain Significance.

This study involves interpretation of variants in research participants for the purpose of population health screening. Participant phenotype was not available at the time of variant classification. Additional details can be found in publication PMID: 35346344, PMCID: PMC8962531

Ambry Genetics
Classification: Likely benign for Cardiovascular phenotype. Last evaluated: 2024-06-06. Review status: criteria provided, single submitter. Criteria: Ambry Variant Classification Scheme 2023. Collection method: clinical testing. Allele origin: germline.

Color Diagnostics, LLC DBA Color Health
Classification: Uncertain significance for Cardiac arrhythmia. Last evaluated: 2024-03-07. Review status: criteria provided, single submitter. Criteria: ACMG Guidelines, 2015. Collection method: clinical testing. Allele origin: germline.
Comment: This missense variant replaces arginine with glutamine at codon 912 of the KCNH2 protein. Computational prediction is inconclusive regarding the impact of this variant on protein structure and function (internally defined REVEL score threshold 0.5 < inconclusive < 0.7, PMID: 27666373). To our knowledge, functional studies have not been reported for this variant. This variant has not been reported in individuals affected with KCNH2-related disorders in the literature. This variant has been identified in 8/152000 chromosomes in the general population by the Genome Aggregation Database (gnomAD). The available evidence is insufficient to determine the role of this variant in disease conclusively. Therefore, this variant is classified as a Variant of Uncertain Significance.